The following is an entry in ClinVar:

NM_182476.3(COQ6):c.485G>A (p.Arg162Gln)

Genes: COQ6 (coenzyme Q6, monooxygenase; plus strand), ENTPD5 (ectonucleoside triphosphate diphosphohydrolase 5; minus strand). Cytogenetic location: 14q24.3.
Variant type: single nucleotide variant.
Coding change: c.485G>A on transcript NM_182476.3 (MANE Select); coding-DNA position 485, G replaced by A.
Protein change: p.Arg162Gln; replaces arginine 162 with glutamine.
Molecular consequence: missense variant. On other transcripts: 3 prime UTR variant (3), intron variant (5).
Genome position (GRCh38, 1-based): chr14:73,958,150, G>A. VCF-style: chr14-73958150-G-A. GRCh37 (hg19) VCF-style: chr14-74424853-G-A.
Other names: c.485G>A, p.Arg162Gln (NM_001425255.1, NM_001425256.1); c.320G>A, p.Arg107Gln (NM_001425257.1); c.410G>A, p.Arg137Gln (NM_001425258.1, NM_182480.3); c.260G>A, p.Arg87Gln (NM_001425259.1, NM_001425260.1, NM_001425261.1); c.158G>A, p.Arg53Gln (NM_001425263.1); c.*1380C>T (NM_001330189.2, NM_001382259.1, NM_001382260.1); c.73-821G>A (NM_001425265.1, NM_001425264.1); c.358-821G>A (NM_001425262.1); and 3 more; short protein forms R137Q, R162Q.
Identifiers: ClinVar variation 1972428 (VCV001972428.3), dbSNP rs1473329291, ClinGen allele CA390374843.

ClinVar aggregate classification (germline): Uncertain significance. Review status: criteria provided, multiple submitters, no conflicts (2 of 4 stars). 3 submissions from 3 submitters: Uncertain significance (3). Last evaluated 2025-04-24.

Conditions:
Familial steroid-resistant nephrotic syndrome with sensorineural deafness. Identifiers: Orphanet 280406, MedGen C3553349, MONDO:0013836, OMIM 614650.

Allele frequency attached by ClinVar (database versions not stated): gnomAD 0.00001; TOPMed below 0.00001.
gnomAD v4.1: 10 of 1,613,634 alleles (0.00062%); highest among the groups gnomAD compares: African/African-American, 0.0027%; no homozygotes.

Submissions (3):

GeneDx
Classification: Uncertain significance. Last evaluated: 2025-04-24. Review status: criteria provided, single submitter. Criteria: GeneDx Variant Classification Process June 2021. Collection method: clinical testing. Allele origin: germline. Affected: yes.
Comment: Not observed at significant frequency in large population cohorts (gnomAD); In silico analysis indicates that this missense variant does not alter protein structure/function; Has not been previously published as pathogenic or benign to our knowledge

Fulgent Genetics
Classification: Uncertain significance for Familial steroid-resistant nephrotic syndrome with sensorineural deafness. Last evaluated: 2024-06-01. Review status: criteria provided, single submitter. Criteria: ACMG Guidelines, 2015. Collection method: clinical testing. Allele origin: germline.

Labcorp Genetics (formerly Invitae), Labcorp
Classification: Uncertain significance. Last evaluated: 2022-05-21. Review status: criteria provided, single submitter. Criteria: Invitae Variant Classification Sherloc (09022015). Collection method: clinical testing. Allele origin: germline.
Comment: This sequence change replaces arginine, which is basic and polar, with glutamine, which is neutral and polar, at codon 162 of the COQ6 protein (p.Arg162Gln). This variant is present in population databases (no rsID available, gnomAD 0.0009%). This variant has not been reported in the literature in individuals affected with COQ6-related conditions. Algorithms developed to predict the effect of missense changes on protein structure and function output the following: SIFT: "Tolerated"; PolyPhen-2: "Benign"; Align-GVGD: "Class C0". The glutamine amino acid residue is found in multiple mammalian species, which suggests that this missense change does not adversely affect protein function. In summary, the available evidence is currently insufficient to determine the role of this variant in disease. Therefore, it has been classified as a Variant of Uncertain Significance.